The following is an entry in ClinVar:

ClinVar aggregate classification (germline): Uncertain significance (1 of 4 stars; one submission).

Conditions:
Cardiovascular phenotype. Identifiers: MedGen CN230736.

Allele frequency attached by ClinVar (database versions not stated): gnomAD exomes below 0.00001; ExAC 0.00001; gnomAD 0.00001.
gnomAD v4.1: 2 of 1,613,278 alleles (0.00012%); highest among the groups gnomAD compares: Non-Finnish European, 0.00017%; no homozygotes.

Submission:

Ambry Genetics
Classification: Uncertain significance for Cardiovascular phenotype. Last evaluated: 2019-12-02. Review status: criteria provided, single submitter. Criteria: Ambry Variant Classification Scheme 2023. Collection method: clinical testing. Allele origin: germline.
Comment: The c.4089+3G>A intronic variant results from a G to A substitution 3 nucleotides after coding exon 22 in the SCN10A gene. This nucleotide position is poorly conserved in available vertebrate species. Using the BDGP and ESEfinder splice site prediction tools, this alteration is not predicted to have any significant effect on this splice donor site; however, direct evidence is unavailable. Since supporting evidence is limited at this time, the clinical significance of this alteration remains unclear.

NM_006514.4(SCN10A):c.4089+3G>A

Gene: SCN10A (sodium voltage-gated channel alpha subunit 10; minus strand). Cytogenetic location: 3p22.2.
Variant type: single nucleotide variant.
Coding change: c.4089+3G>A on transcript NM_006514.4 (MANE Select); 3 bases into the intron after coding-DNA position 4089, G replaced by A.
Molecular consequence: intron variant.
Genome position (GRCh38, 1-based): chr3:38,712,158, C>T on the plus strand (G>A on the coding strand, the complement: SCN10A is on the minus strand). VCF-style: chr3-38712158-C-T. GRCh37 (hg19) VCF-style: chr3-38753649-C-T.
Other names: c.3795+3G>A (NM_001293307.2); c.4086+3G>A (NM_001293306.2).
Identifiers: ClinVar variation 1737678 (VCV001737678.2), dbSNP rs756774376, ClinGen allele CA2320037.